The following is an entry in ClinVar:

NM_012203.2(GRHPR):c.405-1G>C

Gene: GRHPR (glyoxylate and hydroxypyruvate reductase; plus strand). Cytogenetic location: 9p13.2.
Variant type: single nucleotide variant.
Coding change: c.405-1G>C on transcript NM_012203.2 (MANE Select); the canonical splice acceptor site of the intron before coding-DNA position 405, G replaced by C.
Molecular consequence: splice acceptor variant.
Genome position (GRCh38, 1-based): chr9:37,428,483, G>C. VCF-style: chr9-37428483-G-C. GRCh37 (hg19) VCF-style: chr9-37428480-G-C.
Identifiers: ClinVar variation 2029619 (VCV002029619.4), dbSNP rs779208888, ClinGen allele CA373442668.

ClinVar aggregate classification (germline): Likely pathogenic (1 of 4 stars; one submission).

gnomAD v4.1: 1 of 1,603,694 alleles (0.000062%); highest among the groups gnomAD compares: Non-Finnish European, 0.000085%; no homozygotes.

Submission:

Labcorp Genetics (formerly Invitae), Labcorp
Classification: Likely pathogenic. Last evaluated: 2022-09-15. Review status: criteria provided, single submitter. Criteria: Invitae Variant Classification Sherloc (09022015). Collection method: clinical testing. Allele origin: germline.
Comment: This variant has not been reported in the literature in individuals affected with GRHPR-related conditions. This variant is not present in population databases (gnomAD no frequency). This sequence change affects an acceptor splice site in intron 4 of the GRHPR gene. It is expected to disrupt RNA splicing. Variants that disrupt the donor or acceptor splice site typically lead to a loss of protein function (PMID: 16199547), and loss-of-function variants in GRHPR are known to be pathogenic (PMID: 25644115). Algorithms developed to predict the effect of sequence changes on RNA splicing suggest that this variant may disrupt the consensus splice site. In summary, the currently available evidence indicates that the variant is pathogenic, but additional data are needed to prove that conclusively. Therefore, this variant has been classified as Likely Pathogenic.

Literature cited by the submitters: PubMed 16199547; PubMed 25644115.